The following is an entry in ClinVar:

NM_000268.4(NF2):c.477G>T (p.Lys159Asn)

Gene: NF2 (NF2, moesin-ezrin-radixin like (MERLIN) tumor suppressor; plus strand). Cytogenetic location: 22q12.2.
Variant type: single nucleotide variant.
Coding change: c.477G>T on transcript NM_000268.4 (MANE Select); coding-DNA position 477, G replaced by T.
Protein change: p.Lys159Asn; replaces lysine 159 with asparagine.
Molecular consequence: missense variant. On other transcripts: non-coding transcript variant (1), intron variant (1).
Genome position (GRCh38, 1-based): chr22:29,654,686, G>T. VCF-style: chr22-29654686-G-T. GRCh37 (hg19) VCF-style: chr22-30050675-G-T.
Other names: c.363G>T, p.Lys121Asn (NM_001407053.1, NM_001407056.1); c.354G>T, p.Lys118Asn (NM_001407054.1, NM_001407058.1, NM_001407062.1 and 1 more transcripts); c.351G>T, p.Lys117Asn (NM_001407055.1, NM_181828.3); c.477G>T, p.Lys159Asn (NM_001407057.1, NM_001407059.1, NM_001407060.1 and 4 more transcripts); c.228G>T, p.Lys76Asn (NM_001407063.1, NM_001407064.1, NM_181830.3 and 1 more transcripts); c.-164G>T (NM_001407065.1); c.246G>T, p.Lys82Asn (NM_001407067.1); c.447+12401G>T (NM_181833.3); short protein forms K117N, K159N, K82N, K121N, K118N, K76N.
Identifiers: ClinVar variation 1743042 (VCV001743042.5), dbSNP rs2146966801, ClinGen allele CA411142175.

ClinVar aggregate classification (germline): Uncertain significance. Review status: criteria provided, multiple submitters, no conflicts (2 of 4 stars). 3 submissions from 3 submitters: Uncertain significance (3). Last evaluated 2025-01-28.

Conditions:
Hereditary cancer-predisposing syndrome. Also called: Hereditary Cancer Syndrome; Hereditary neoplastic syndrome; Neoplastic Syndromes, Hereditary; Tumor predisposition. Identifiers: Orphanet 140162, MedGen C0027672, MeSH D009386, MONDO:0015356.
Neurofibromatosis, type 2 (SWNV). Also called: BILATERAL ACOUSTIC NEUROFIBROMATOSIS; NF2-Related Schwannomatosis; SCHWANNOMATOSIS, VESTIBULAR. Identifiers: Orphanet 637, MedGen C0027832, MONDO:0007039, OMIM 101000. Disease mechanism: loss of function.

Allele frequency attached by ClinVar (database versions not stated): gnomAD exomes below 0.00001.
gnomAD v4.1: 6 of 1,613,978 alleles (0.00037%); highest among the groups gnomAD compares: Non-Finnish European, 0.00051%; no homozygotes.

Submissions (3):

Labcorp Genetics (formerly Invitae), Labcorp
Classification: Uncertain significance for Neurofibromatosis, type 2. Last evaluated: 2025-01-28. Review status: criteria provided, single submitter. Criteria: Invitae Variant Classification Sherloc (09022015). Collection method: clinical testing. Allele origin: germline.
Comment: This sequence change replaces lysine, which is basic and polar, with asparagine, which is neutral and polar, at codon 159 of the NF2 protein (p.Lys159Asn). This variant is not present in population databases (gnomAD no frequency). This variant has not been reported in the literature in individuals affected with NF2-related conditions. ClinVar contains an entry for this variant (Variation ID: 1743042). Invitae Evidence Modeling of protein sequence and biophysical properties (such as structural, functional, and spatial information, amino acid conservation, physicochemical variation, residue mobility, and thermodynamic stability) indicates that this missense variant is not expected to disrupt NF2 protein function with a negative predictive value of 80%. In summary, the available evidence is currently insufficient to determine the role of this variant in disease. Therefore, it has been classified as a Variant of Uncertain Significance.

Ambry Genetics
Classification: Uncertain significance for Hereditary cancer-predisposing syndrome. Last evaluated: 2022-10-20. Review status: criteria provided, single submitter. Criteria: Ambry Variant Classification Scheme 2023. Collection method: clinical testing. Allele origin: germline.
Comment: The p.K159N variant (also known as c.477G>T), located in coding exon 5 of the NF2 gene, results from a G to T substitution at nucleotide position 477. The lysine at codon 159 is replaced by asparagine, an amino acid with similar properties. This amino acid position is conserved. In addition, this alteration is predicted to be tolerated by in silico analysis. Since supporting evidence is limited at this time, the clinical significance of this alteration remains unclear.

Blueprint Genetics
Classification: Uncertain significance. Last evaluated: 2021-05-07. Review status: criteria provided, single submitter. Criteria: ACMG Guidelines, 2015. Collection method: clinical testing. Allele origin: germline.